The following is an entry in ClinVar:

ClinVar aggregate classification (germline): Uncertain significance. Review status: criteria provided, multiple submitters, no conflicts (2 of 4 stars). 4 submissions from 4 submitters: Uncertain significance (3). 1 of the submissions does not count toward it. Last evaluated 2025-08-30.

Conditions:
Inborn genetic diseases. Identifiers: MedGen C0950123, MeSH D030342.
Usher syndrome type 2A. Also called: RETINAL DISEASE IN USHER SYNDROME TYPE IIA, MODIFIER OF; USHER SYNDROME, TYPE IIA. Identifiers: Orphanet 231178, Orphanet 886, MedGen C1848634, MONDO:0010169, OMIM 276901.

Allele frequency attached by ClinVar (database versions not stated): gnomAD 0.00001 and 0.00002; ExAC 0.00002; gnomAD exomes 0.00002 and 0.00005; TOPMed 0.00003; ESP Exome Variant Server 0.00015.
gnomAD v4.1: 74 of 1,614,050 alleles (0.0046%); highest among the groups gnomAD compares: Non-Finnish European, 0.0058%; no homozygotes.

Submissions (4):

Ambry Genetics
Classification: Uncertain significance for Inborn genetic diseases. Last evaluated: 2025-08-30. Review status: criteria provided, single submitter. Criteria: Ambry Variant Classification Scheme 2023. Collection method: clinical testing. Allele origin: germline.

Blueprint Genetics
Classification: Uncertain significance. Last evaluated: 2022-08-26. Review status: criteria provided, single submitter. Criteria: ACMG Guidelines, 2015. Collection method: clinical testing. Allele origin: germline.

Labcorp Genetics (formerly Invitae), Labcorp
Classification: Uncertain significance. Last evaluated: 2022-02-24. Review status: criteria provided, single submitter. Criteria: Invitae Variant Classification Sherloc (09022015). Collection method: clinical testing. Allele origin: germline.
Comment: This sequence change replaces histidine, which is basic and polar, with arginine, which is basic and polar, at codon 5169 of the USH2A protein (p.His5169Arg). This variant is present in population databases (rs146085433, gnomAD 0.004%). This variant has not been reported in the literature in individuals affected with USH2A-related conditions. ClinVar contains an entry for this variant (Variation ID: 1036495). Algorithms developed to predict the effect of missense changes on protein structure and function are either unavailable or do not agree on the potential impact of this missense change (SIFT: "Deleterious"; PolyPhen-2: "Benign"; Align-GVGD: "Class C0"). In summary, the available evidence is currently insufficient to determine the role of this variant in disease. Therefore, it has been classified as a Variant of Uncertain Significance.

Natera, Inc.
Classification: Uncertain significance for Usher syndrome type 2A. Last evaluated: 2020-05-29. Review status: no assertion criteria provided. Collection method: clinical testing. Allele origin: germline. Not counted in ClinVar's aggregate classification.

NM_206933.4(USH2A):c.15506A>G (p.His5169Arg)

Gene: USH2A (usherin; minus strand). Cytogenetic location: 1q41.
Variant type: single nucleotide variant.
Coding change: c.15506A>G on transcript NM_206933.4 (MANE Select); coding-DNA position 15506, A replaced by G.
Protein change: p.His5169Arg; replaces histidine 5169 with arginine.
Molecular consequence: missense variant.
Genome position (GRCh38, 1-based): chr1:215,628,827, T>C on the plus strand (A>G on the coding strand, the complement: USH2A is on the minus strand). VCF-style: chr1-215628827-T-C. GRCh37 (hg19) VCF-style: chr1-215802169-T-C.
Other names: c.15506A>G (NM_206933.2); short protein forms H5169R.
Identifiers: ClinVar variation 1036495 (VCV001036495.9), dbSNP rs146085433, ClinGen allele CA1392664.